The following is an entry in ClinVar:

NM_201384.3(PLEC):c.1621G>A (p.Gly541Ser)

Gene: PLEC (plectin; minus strand). Cytogenetic location: 8q24.3.
Variant type: single nucleotide variant.
Coding change: c.1621G>A on transcript NM_201384.3 (MANE Select); coding-DNA position 1621, G replaced by A.
Protein change: p.Gly541Ser; replaces glycine 541 with serine.
Molecular consequence: missense variant.
Genome position (GRCh38, 1-based): chr8:143,932,909, C>T on the plus strand (G>A on the coding strand, the complement: PLEC is on the minus strand). VCF-style: chr8-143932909-C-T. GRCh37 (hg19) VCF-style: chr8-145007077-C-T.
Other names: c.1702G>A, p.Gly568Ser (NM_000445.5); c.1579G>A, p.Gly527Ser (NM_201378.4); c.1555G>A, p.Gly519Ser (NM_201379.3); c.2032G>A, p.Gly678Ser (NM_201380.4); c.1525G>A, p.Gly509Ser (NM_201381.3); c.1621G>A, p.Gly541Ser (NM_201382.4); c.1633G>A, p.Gly545Ser (NM_201383.3); short protein forms G509S, G527S, G545S, G568S, G519S, G541S, G678S.
Identifiers: ClinVar variation 572745 (VCV000572745.8), dbSNP rs369076875, ClinGen allele CA187622086.

ClinVar aggregate classification (germline): Uncertain significance (1 of 4 stars; one submission).

Conditions:
Epidermolysis bullosa simplex 5C, with pyloric atresia (EBS5C). Also called: PLEC-Related Epidermolysis Bullosa with Pyloric Atresia; Epidermolysis bullosa simplex with pyloric atresia; PLEC1-Related Epidermolysis Bullosa with Pyloric Atresia. Identifiers: Orphanet 158684, MedGen C2677349, MONDO:0012807, OMIM 612138.
Epidermolysis bullosa simplex with nail dystrophy (EBS5D). Identifiers: MedGen C4225309, MONDO:0014661, OMIM 616487.
Epidermolysis bullosa simplex 5B, with muscular dystrophy (EBS5B). Also called: Epidermolysis bullosa simplex with muscular dystrophy; EPIDERMOLYSIS BULLOSA SIMPLEX AND LIMB-GIRDLE MUSCULAR DYSTROPHY. Identifiers: Orphanet 257, MedGen C2931072, MONDO:0009181, OMIM 226670.
Autosomal recessive limb-girdle muscular dystrophy type 2Q (LGMDR17). Also called: MUSCULAR DYSTROPHY, LIMB-GIRDLE, AUTOSOMAL RECESSIVE 17. Identifiers: Orphanet 254361, MedGen C3150989, MONDO:0013390, OMIM 613723.
Epidermolysis bullosa simplex, Ogna type (EBS5A). Also called: Pidermolysis bullosa simplex 5A, Ogna type; EPIDERMOLYSIS BULLOSA SIMPLEX 5A, OGNA TYPE. Identifiers: Orphanet 79401, MedGen C0432317, MONDO:0007555, OMIM 131950.

Allele frequency attached by ClinVar (database versions not stated): gnomAD exomes below 0.00001; TOPMed 0.00002; gnomAD 0.00003 and 0.00004; ESP Exome Variant Server 0.00008.
gnomAD v4.1: 7 of 1,612,544 alleles (0.00043%); highest among the groups gnomAD compares: African/African-American, 0.0093%; no homozygotes.

Submission:

Labcorp Genetics (formerly Invitae), Labcorp
Classification: Uncertain significance for Autosomal recessive limb-girdle muscular dystrophy type 2Q; Epidermolysis bullosa simplex, Ogna type; Epidermolysis bullosa simplex with nail dystrophy; Epidermolysis bullosa simplex 5C, with pyloric atresia; Epidermolysis bullosa simplex 5B, with muscular dystrophy. Last evaluated: 2023-12-11. Review status: criteria provided, single submitter. Criteria: Invitae Variant Classification Sherloc (09022015). Collection method: clinical testing. Allele origin: germline.
Comment: This sequence change replaces glycine, which is neutral and non-polar, with serine, which is neutral and polar, at codon 568 of the PLEC protein (p.Gly568Ser). This variant is present in population databases (rs369076875, gnomAD 0.01%). This variant has not been reported in the literature in individuals affected with PLEC-related conditions. ClinVar contains an entry for this variant (Variation ID: 572745). Advanced modeling of protein sequence and biophysical properties (such as structural, functional, and spatial information, amino acid conservation, physicochemical variation, residue mobility, and thermodynamic stability) performed at Invitae indicates that this missense variant is not expected to disrupt PLEC protein function with a negative predictive value of 80%. In summary, the available evidence is currently insufficient to determine the role of this variant in disease. Therefore, it has been classified as a Variant of Uncertain Significance.